The following is an entry in ClinVar:

ClinVar aggregate classification (germline): Uncertain significance (1 of 4 stars; one submission).

Allele frequency attached by ClinVar (database versions not stated): gnomAD 0.00001; TOPMed 0.00001.
gnomAD v4.1: 3 of 1,613,370 alleles (0.00019%); highest among the groups gnomAD compares: African/African-American, 0.0013%; no homozygotes.

Submission:

Labcorp Genetics (formerly Invitae), Labcorp
Classification: Uncertain significance. Last evaluated: 2023-12-18. Review status: criteria provided, single submitter. Criteria: Invitae Variant Classification Sherloc (09022015). Collection method: clinical testing. Allele origin: germline.
Comment: This sequence change replaces serine, which is neutral and polar, with leucine, which is neutral and non-polar, at codon 455 of the LRP5 protein (p.Ser455Leu). The frequency data for this variant in the population databases is considered unreliable, as metrics indicate poor data quality at this position in the gnomAD database. This missense change has been observed in individual(s) with LRP5-related conditions (PMID: 16234968, 34860240). Advanced modeling of protein sequence and biophysical properties (such as structural, functional, and spatial information, amino acid conservation, physicochemical variation, residue mobility, and thermodynamic stability) has been performed at Invitae for this missense variant, however the output from this modeling did not meet the statistical confidence thresholds required to predict the impact of this variant on LRP5 protein function. Experimental studies have shown that this missense change affects LRP5 function (PMID: 16234968). In summary, the available evidence is currently insufficient to determine the role of this variant in disease. Therefore, it has been classified as a Variant of Uncertain Significance.

Literature cited by the submitters: PubMed 16234968; PubMed 34860240.

NM_002335.4(LRP5):c.1364C>T (p.Ser455Leu)

Gene: LRP5 (LDL receptor related protein 5; plus strand). Cytogenetic location: 11q13.2.
Variant type: single nucleotide variant.
Coding change: c.1364C>T on transcript NM_002335.4 (MANE Select); coding-DNA position 1364, C replaced by T.
Protein change: p.Ser455Leu; replaces serine 455 with leucine.
Molecular consequence: missense variant. On other transcripts: 5 prime UTR variant (1).
Genome position (GRCh38, 1-based): chr11:68,386,664, C>T. VCF-style: chr11-68386664-C-T. GRCh37 (hg19) VCF-style: chr11-68154132-C-T.
Other names: c.-402C>T (NM_001291902.2); short protein forms S455L.
Identifiers: ClinVar variation 2735687 (VCV002735687.3), dbSNP rs930355318, ClinGen allele CA224252914.
Genomic context (GRCh38, chr11:68,386,664, plus strand): 5'-CGGGCACGGACCGCATCGAGGTGACGCGCCTCAACGGCACCTCCCGCAAGATCCTGGTGT[C>T]GGAGGACCTGGACGAGCCCCGAGCCATCGCACTGCACCCCGTGATGGGGTAAGACGGGCG-3'
Protein context (NP_002326.2, residues 445-465): LNGTSRKILV[Ser455Leu]EDLDEPRAIA